The following is an entry in ClinVar:

ClinVar aggregate classification (germline): Uncertain significance (1 of 4 stars; one submission).

gnomAD v4.1: 2 of 1,596,140 alleles (0.00013%); highest among the groups gnomAD compares: South Asian, 0.0011%; no homozygotes.

Submission:

GeneDx
Classification: Uncertain significance. Last evaluated: 2024-11-21. Review status: criteria provided, single submitter. Criteria: GeneDx Variant Classification Process June 2021. Collection method: clinical testing. Allele origin: germline. Affected: yes.
Comment: In silico analysis indicates that this missense variant does not alter protein structure/function; Has not been previously published as pathogenic or benign to our knowledge

NM_003466.4(PAX8):c.848C>T (p.Thr283Met)

Genes: PAX8 (paired box 8; minus strand), PAX8-AS1 (PAX8 antisense RNA 1; plus strand). Cytogenetic location: 2q14.1.
Variant type: single nucleotide variant.
Coding change: c.848C>T on transcript NM_003466.4 (MANE Select); coding-DNA position 848, C replaced by T.
Protein change: p.Thr283Met; replaces threonine 283 with methionine.
Molecular consequence: missense variant. On other transcripts: intron variant (2).
Genome position (GRCh38, 1-based): chr2:113,236,651, G>A on the plus strand (C>T on the coding strand, the complement: PAX8 is on the minus strand). VCF-style: chr2-113236651-G-A. GRCh37 (hg19) VCF-style: chr2-113994228-G-A.
Other names: c.848C>T, p.Thr283Met (NM_013952.4); c.777+4900C>T (NM_013992.4, NM_013953.4); short protein forms T283M.
Identifiers: ClinVar variation 3900447 (VCV003900447.1).
Genomic context (GRCh38, chr2:113,236,651, plus strand): 5'-GGCGTTGTACCTGCCACCACGGGGTAGGTCTGGTGAGTCGAGAGGTTGCGCCCCAGTGGC[G>A]TGTTGGAAGGGGTCAGGGTGGCCTTCCCGTCGTCCAGGGTGCTGTTGAGCAAGGGCAGCG-3'
Protein context (NP_003457.1, residues 273-293): DGKATLTPSN[Thr283Met]PLGRNLSTHQ